The following is an entry in ClinVar:

NM_001370259.2(MEN1):c.1157G>C (p.Gly386Ala)

Gene: MEN1 (menin 1; minus strand). Cytogenetic location: 11q13.1.
Variant type: single nucleotide variant.
Coding change: c.1157G>C on transcript NM_001370259.2 (MANE Select); coding-DNA position 1157, G replaced by C.
Protein change: p.Gly386Ala; replaces glycine 386 with alanine.
Molecular consequence: missense variant.
Genome position (GRCh38, 1-based): chr11:64,805,663, C>G on the plus strand (G>C on the coding strand, the complement: MEN1 is on the minus strand). VCF-style: chr11-64805663-C-G. GRCh37 (hg19) VCF-style: chr11-64573135-C-G.
Other names: c.1172G>C, p.Gly391Ala (NM_000244.4, NM_130800.3, NM_130801.3 and 3 more transcripts); c.1283G>C, p.Gly428Ala (NM_001370251.2); c.1157G>C, p.Gly386Ala (NM_001370260.2, NM_001370261.2, NM_130799.3); c.1052G>C, p.Gly351Ala (NM_001370262.2, NM_001370263.2); short protein forms G428A, G386A, G391A, G351A.
Identifiers: ClinVar variation 1415769 (VCV001415769.11), dbSNP rs761360623, ClinGen allele CA381182198.

ClinVar aggregate classification (germline): Uncertain significance. Review status: criteria provided, multiple submitters, no conflicts (2 of 4 stars). 2 submissions from 2 submitters: Uncertain significance (2). Last evaluated 2025-10-09.

Conditions:
Hereditary cancer-predisposing syndrome. Also called: Hereditary neoplastic syndrome; Neoplastic Syndromes, Hereditary; Hereditary Cancer Syndrome; Tumor predisposition. Identifiers: Orphanet 140162, MedGen C0027672, MeSH D009386, MONDO:0015356.
Multiple endocrine neoplasia, type 1 (MEN1). Also called: MEN I; WERMER SYNDROME; Endocrine adenomatosis multiple; MEN 1; MEA I. Identifiers: Orphanet 652, MedGen C0025267, MeSH D018761, MONDO:0007540, OMIM 131100.

gnomAD v4.1: 1 of 1,614,132 alleles (0.000062%); highest among the groups gnomAD compares: Non-Finnish European, 0.000085%; no homozygotes.

Submissions (2):

Labcorp Genetics (formerly Invitae), Labcorp
Classification: Uncertain significance for Multiple endocrine neoplasia, type 1. Last evaluated: 2025-10-09. Review status: criteria provided, single submitter. Criteria: Invitae Variant Classification Sherloc (09022015). Collection method: clinical testing. Allele origin: germline.
Comment: This sequence change replaces glycine, which is neutral and non-polar, with alanine, which is neutral and non-polar, at codon 386 of the MEN1 protein (p.Gly386Ala). This variant is not present in population databases (gnomAD no frequency). This variant has not been reported in the literature in individuals affected with MEN1-related conditions. ClinVar contains an entry for this variant (Variation ID: 1415769). Invitae Evidence Modeling of protein sequence and biophysical properties (such as structural, functional, and spatial information, amino acid conservation, physicochemical variation, residue mobility, and thermodynamic stability) has been performed for this missense variant. However, the output from this modeling did not meet the statistical confidence thresholds required to predict the impact of this variant on MEN1 protein function. In summary, the available evidence is currently insufficient to determine the role of this variant in disease. Therefore, it has been classified as a Variant of Uncertain Significance.

Ambry Genetics
Classification: Uncertain significance for Hereditary cancer-predisposing syndrome. Last evaluated: 2025-02-28. Review status: criteria provided, single submitter. Criteria: Ambry Variant Classification Scheme 2023. Collection method: clinical testing. Allele origin: germline.
Comment: The p.G386A variant (also known as c.1157G>C), located in coding exon 7 of the MEN1 gene, results from a G to C substitution at nucleotide position 1157. The glycine at codon 386 is replaced by alanine, an amino acid with similar properties. This amino acid position is conserved. In addition, the in silico prediction for this alteration is inconclusive. Since supporting evidence is limited at this time, the clinical significance of this alteration remains unclear.